The following is an entry in ClinVar:

NM_005215.4(DCC):c.371C>T (p.Ser124Phe)

Gene: DCC (DCC netrin 1 receptor; plus strand). Cytogenetic location: 18q21.2.
Variant type: single nucleotide variant.
Coding change: c.371C>T on transcript NM_005215.4 (MANE Select); coding-DNA position 371, C replaced by T.
Protein change: p.Ser124Phe; replaces serine 124 with phenylalanine.
Molecular consequence: missense variant.
Genome position (GRCh38, 1-based): chr18:52,752,333, C>T. VCF-style: chr18-52752333-C-T. GRCh37 (hg19) VCF-style: chr18-50278703-C-T.
Other names: short protein forms S124F.
Identifiers: ClinVar variation 1030892 (VCV001030892.1), dbSNP rs2037008530, ClinGen allele CA402513367.
Genomic context (GRCh38, chr18:52,752,333, plus strand): 5'-ATTCCAGACACCACAAGCCAGATGAGGGACTTTACCAATGTGAGGCATCTTTAGGAGATT[C>T]TGGCTCAATTATTAGTCGGACAGCAAAAGTTGCAGTAGCAGGTAGGTGGATTCTTCCTTC-3'
Protein context (NP_005206.2, residues 114-134): LYQCEASLGD[Ser124Phe]GSIISRTAKV

ClinVar aggregate classification (germline): Uncertain significance (1 of 4 stars; one submission).

Conditions:
Colorectal cancer. Also called: Colorectal cancer, somatic; Malignant Colorectal Neoplasm. Identifiers: MedGen C0346629, MONDO:0005575, OMIM 114500.

Submission:

Baylor Genetics
Classification: Uncertain significance for Colorectal cancer. Last evaluated: 2020-06-09. Review status: criteria provided, single submitter. Criteria: ACMG Guidelines, 2015. Collection method: clinical testing. Allele origin: unknown. Affected: yes.
Comment: This variant was determined to be of uncertain significance according to ACMG Guidelines, 2015 [PMID:25741868].